The following is an entry in ClinVar:

NM_002334.4(LRP4):c.*561T>C

Genes: LRP4-AS1 (LRP4 antisense RNA 1; plus strand), LRP4 (LDL receptor related protein 4; minus strand). Cytogenetic location: 11p11.2.
Variant type: single nucleotide variant.
Coding change: c.*561T>C on transcript NM_002334.4 (MANE Select); 561 bases downstream of the stop codon, T replaced by C.
Molecular consequence: 3 prime UTR variant.
Genome position (GRCh38, 1-based): chr11:46,858,422, A>G on the plus strand (T>C on the coding strand, the complement: LRP4 is on the minus strand). VCF-style: chr11-46858422-A-G. GRCh37 (hg19) VCF-style: chr11-46879973-A-G.
Identifiers: ClinVar variation 304838 (VCV000304838.6), dbSNP rs3829940, ClinGen allele CA10638686.

ClinVar aggregate classification (germline): Benign. Review status: criteria provided, multiple submitters, no conflicts (2 of 4 stars). 2 submissions from 2 submitters: Benign (2). Last evaluated 2017-04-27.

Conditions:
Cenani-Lenz syndactyly syndrome. Also called: CENANI SYNDACTYLISM; SYNDACTYLY, TYPE VII. Identifiers: Orphanet 3258, MedGen C1859309, MONDO:0008931, OMIM 212780.

Allele frequency attached by ClinVar (database versions not stated): gnomAD exomes 0.68424; 1000 Genomes Project 30x 0.58198; 1000 Genomes Project 0.58267; TOPMed 0.63105; gnomAD 0.64017 and 0.64274.
gnomAD v4.1: 114,855 of 176,728 alleles (65%); highest among the groups gnomAD compares: Non-Finnish European, 77%; 39,332 homozygotes.

Submissions (2):

Illumina Laboratory Services, Illumina
Classification: Benign for Cenani-Lenz syndactyly syndrome. Last evaluated: 2017-04-27. Review status: criteria provided, single submitter. Criteria: ICSL Variant Classification Criteria 13 December 2019. Collection method: clinical testing. Allele origin: germline.
Comment: This variant was observed as part of a predisposition screen in an ostensibly healthy population. A literature search was performed for the gene, cDNA change, and amino acid change (where applicable). No publications were found based on this search. Allele frequency data from public databases was too high to be consistent with this variant causing disease. Therefore, this variant is classified as benign.

Breakthrough Genomics
Classification: Benign. Review status: criteria provided, single submitter. Criteria: ACMG Guidelines, 2015. Collection method: not provided. Allele origin: germline. Inheritance: Autosomal recessive inheritance. Affected: yes.